The following is an entry in ClinVar:

ClinVar aggregate classification (germline): Likely benign (1 of 4 stars; one submission).

Submission:

CeGaT Center for Human Genetics Tuebingen
Classification: Likely benign. Last evaluated: 2026-08-01. Review status: criteria provided, single submitter. Criteria: CeGaT Center For Human Genetics Tuebingen Variant Classification Criteria Version 2. Collection method: clinical testing. Allele origin: germline. Affected: yes. Observed: 2 variant alleles.
Comment: LZTR1: PM2:Supporting, BP4, BP7

NM_006767.4(LZTR1):c.849G>C (p.Arg283=)

Gene: LZTR1 (leucine zipper like post translational regulator 1; plus strand). Cytogenetic location: 22q11.21.
Variant type: single nucleotide variant.
Coding change: c.849G>C on transcript NM_006767.4 (MANE Select); coding-DNA position 849, G replaced by C.
Protein change: p.Arg283=; no amino-acid change (arginine 283 retained).
Molecular consequence: synonymous variant.
Genome position (GRCh38, 1-based): chr22:20,991,685, G>C. VCF-style: chr22-20991685-G-C. GRCh37 (hg19) VCF-style: chr22-21345974-G-C.
Identifiers: ClinVar variation 4873222 (VCV004873222.2).